The following is an entry in ClinVar:

ClinVar aggregate classification (germline): Pathogenic. Review status: criteria provided, multiple submitters, no conflicts (2 of 4 stars). 2 submissions from 2 submitters: Pathogenic (2). Last evaluated 2023-07-08.

Conditions:
Familial cancer of breast. Also called: hereditary breast carcinoma; Hereditary breast cancer; BREAST CANCER, FAMILIAL. Identifiers: Orphanet 227535, MedGen C0346153, MONDO:0016419, OMIM 114480. Disease mechanism: loss of function.

Submissions (2):

Labcorp Genetics (formerly Invitae), Labcorp
Classification: Pathogenic for Familial cancer of breast. Last evaluated: 2023-07-08. Review status: criteria provided, single submitter. Criteria: Invitae Variant Classification Sherloc (09022015). Collection method: clinical testing. Allele origin: germline.
Comment: For these reasons, this variant has been classified as Pathogenic. ClinVar contains an entry for this variant (Variation ID: 845106). This premature translational stop signal has been observed in individual(s) with breast and/or ovarian cancer (PMID: 26845227, 29470806). This variant is not present in population databases (gnomAD no frequency). This sequence change creates a premature translational stop signal (p.Trp906Glyfs*17) in the PALB2 gene. It is expected to result in an absent or disrupted protein product. Loss-of-function variants in PALB2 are known to be pathogenic (PMID: 17200668, 17200671, 17200672, 24136930, 25099575).

Myriad Genetics, Inc.
Classification: Pathogenic for Familial cancer of breast. Last evaluated: 2023-06-14. Review status: criteria provided, single submitter. Criteria: Myriad Autosomal Dominant, Autosomal Recessive and X-Linked Classification Criteria (2023). Collection method: clinical testing. Allele origin: unknown.
Comment: This variant is considered pathogenic. This variant creates a frameshift predicted to result in premature protein truncation.

Literature cited by the submitters: PubMed 26845227 (cited by Labcorp Genetics (formerly Invitae), Labcorp); PubMed 29470806 (cited by Labcorp Genetics (formerly Invitae), Labcorp); PubMed 17200668 (cited by Labcorp Genetics (formerly Invitae), Labcorp); PubMed 17200671 (cited by Labcorp Genetics (formerly Invitae), Labcorp); PubMed 17200672 (cited by Labcorp Genetics (formerly Invitae), Labcorp); PubMed 24136930 (cited by Labcorp Genetics (formerly Invitae), Labcorp); PubMed 25099575 (cited by Labcorp Genetics (formerly Invitae), Labcorp).

NM_024675.4(PALB2):c.2716del (p.Trp906fs)

Gene: PALB2 (partner and localizer of BRCA2; minus strand). Cytogenetic location: 16p12.2.
Variant type: Deletion.
Coding change: c.2716del on transcript NM_024675.4 (MANE Select); coding-DNA position 2716, one base deleted (T; older notation c.2716delT).
Protein change: p.Trp906fs; shifts the reading frame from tryptophan 906.
Molecular consequence: frameshift variant.
Genome position (GRCh38, 1-based): chr16:23,626,268, A deleted on the plus strand (T on the coding strand, the reverse complement: PALB2 is on the minus strand). VCF-style (leftmost placement, unchanged base first): chr16-23626267-CA-C. GRCh37 (hg19) VCF-style: chr16-23637588-CA-C.
Other names: short protein forms W906fs.
Identifiers: ClinVar variation 845106 (VCV000845106.12), dbSNP rs1966842388, ClinGen allele CA916081819.